The following is an entry in ClinVar:

NM_000051.4(ATM):c.3606A>G (p.Gly1202=)

Gene: ATM (ATM serine/threonine kinase; plus strand). Cytogenetic location: 11q22.3.
Variant type: single nucleotide variant.
Coding change: c.3606A>G on transcript NM_000051.4 (MANE Select); coding-DNA position 3606, A replaced by G.
Protein change: p.Gly1202=; no amino-acid change (glycine 1202 retained).
Molecular consequence: synonymous variant.
Genome position (GRCh38, 1-based): chr11:108,282,739, A>G. VCF-style: chr11-108282739-A-G. GRCh37 (hg19) VCF-style: chr11-108153466-A-G.
Other names: c.3606A>G, p.Gly1202= (NM_001351834.2).
Identifiers: ClinVar variation 453476 (VCV000453476.12), dbSNP rs1189826741, ClinGen allele CA476673228.
Genomic context (GRCh38, chr11:108,282,739, plus strand): 5'-TCTTAACACATTGACTTTTTGGTTCGTGCAGGTTTTAGAGAAAGTTTCTGAAACTTTTGG[A>G]TATAGACGTTTAGAAGACTTTATGGCATCTCATTTAGATTATCTGGTTTTGGAATGGCTA-3'
Protein context (NP_000042.3, residues 1192-1212): KVLEKVSETF[Gly1202=]YRRLEDFMAS

ClinVar aggregate classification (germline): Benign/Likely benign. Review status: criteria provided, multiple submitters, no conflicts (2 of 4 stars). 4 submissions from 4 submitters: Benign (1); Likely benign (3). Last evaluated 2025-09-18.

Conditions:
Hereditary cancer-predisposing syndrome. Also called: Tumor predisposition; Hereditary Cancer Syndrome; Neoplastic Syndromes, Hereditary; Hereditary neoplastic syndrome. Identifiers: Orphanet 140162, MedGen C0027672, MeSH D009386, MONDO:0015356.
Familial cancer of breast. Also called: Hereditary breast cancer; hereditary breast carcinoma; BREAST CANCER, FAMILIAL. Identifiers: Orphanet 227535, MedGen C0346153, MONDO:0016419, OMIM 114480. Disease mechanism: loss of function.
Ataxia-telangiectasia syndrome (AT). Also called: Cerebello-oculocutaneous telangiectasia; Immunodeficiency with ataxia telangiectasia; Ataxia-telangiectasia, complementation group D; AT, COMPLEMENTATION GROUP C; Ataxia-telangiectasia, complementation group E; LOUIS-BAR SYNDROME. Identifiers: Orphanet 100, MedGen C0004135, MONDO:0008840, OMIM 208900.

Allele frequency attached by ClinVar (database versions not stated): gnomAD exomes below 0.00001; TOPMed below 0.00001; gnomAD 0.00001.
gnomAD v4.1: 3 of 1,613,300 alleles (0.00019%); highest among the groups gnomAD compares: East Asian, 0.0022%; no homozygotes.

Submissions (4):

Color Diagnostics, LLC DBA Color Health
Classification: Likely benign for Hereditary cancer-predisposing syndrome. Last evaluated: 2025-09-18. Review status: criteria provided, single submitter. Criteria: ACMG Guidelines, 2015. Collection method: clinical testing. Allele origin: germline.

Labcorp Genetics (formerly Invitae), Labcorp
Classification: Likely benign for Ataxia-telangiectasia syndrome. Last evaluated: 2025-07-20. Review status: criteria provided, single submitter. Criteria: Invitae Variant Classification Sherloc (09022015). Collection method: clinical testing. Allele origin: germline.

Myriad Genetics, Inc.
Classification: Benign for Familial cancer of breast. Last evaluated: 2024-05-15. Review status: criteria provided, single submitter. Criteria: Myriad Autosomal Dominant, Autosomal Recessive and X-Linked Classification Criteria (2023). Collection method: clinical testing. Allele origin: unknown.
Comment: This variant is considered benign. This variant is a silent/synonymous amino acid change and it is not expected to impact splicing.

Ambry Genetics
Classification: Likely benign for Hereditary cancer-predisposing syndrome. Last evaluated: 2021-12-10. Review status: criteria provided, single submitter. Criteria: Ambry Variant Classification Scheme 2023. Collection method: clinical testing. Allele origin: germline.